The following is an entry in ClinVar:

ClinVar aggregate classification (germline): Uncertain significance (1 of 4 stars; one submission).

Conditions:
Cardiovascular phenotype. Identifiers: MedGen CN230736.

Submission:

Ambry Genetics
Classification: Uncertain significance for Cardiovascular phenotype. Last evaluated: 2021-06-16. Review status: criteria provided, single submitter. Criteria: Ambry Variant Classification Scheme 2023. Collection method: clinical testing. Allele origin: germline.
Comment: The p.R1167S variant (also known as c.3499C>A), located in coding exon 25 of the MYH7 gene, results from a C to A substitution at nucleotide position 3499. The arginine at codon 1167 is replaced by serine, an amino acid with dissimilar properties. This amino acid position is highly conserved in available vertebrate species. In addition, this alteration is predicted to be deleterious by in silico analysis. Since supporting evidence is limited at this time, the clinical significance of this alteration remains unclear.

NM_000257.4(MYH7):c.3499C>A (p.Arg1167Ser)

Gene: MYH7 (myosin heavy chain 7; minus strand). Cytogenetic location: 14q11.2.
Variant type: single nucleotide variant.
Coding change: c.3499C>A on transcript NM_000257.4 (MANE Select); coding-DNA position 3499, C replaced by A.
Protein change: p.Arg1167Ser; replaces arginine 1167 with serine.
Molecular consequence: missense variant.
Genome position (GRCh38, 1-based): chr14:23,420,072, G>T on the plus strand (C>A on the coding strand, the complement: MYH7 is on the minus strand). VCF-style: chr14-23420072-G-T. GRCh37 (hg19) VCF-style: chr14-23889281-G-T.
Other names: c.3499C>A, p.Arg1167Ser (NM_001407004.1); short protein forms R1167S.
Identifiers: ClinVar variation 1732005 (VCV001732005.2), dbSNP rs751695298, ClinGen allele CA389043685.
Genomic context (GRCh38, chr14:23,420,072, plus strand): 5'-CCTCGTGCTGCAGCGTGGCCTCCTCCAGGTCCCGCCGCATCTTCTGGAACTCGGCCTCGC[G>T]CTTCTTGTTCATCTCGATCTGCACGGACGTGGCCCCGCCGGCCTCTTCCAGCCGCTCGCT-3'
Protein context (NP_000248.2, residues 1157-1177): TSVQIEMNKK[Arg1167Ser]EAEFQKMRRD